The following is an entry in ClinVar:

ClinVar aggregate classification (germline): Pathogenic. Review status: criteria provided, multiple submitters, no conflicts (2 of 4 stars). 2 submissions from 2 submitters: Pathogenic (2). Last evaluated 2024-02-01.

Conditions:
Ataxia-telangiectasia syndrome (AT). Also called: Ataxia-telangiectasia, complementation group D; AT, COMPLEMENTATION GROUP C; ATAXIA-TELANGIECTASIA, COMPLEMENTATION GROUP A; ATAXIA-TELANGIECTASIA, FRESNO VARIANT; Ataxia-telangiectasia; LOUIS-BAR SYNDROME. Identifiers: Orphanet 100, MedGen C0004135, MONDO:0008840, OMIM 208900.

Submissions (2):

CeGaT Center for Human Genetics Tuebingen
Classification: Pathogenic. Last evaluated: 2024-02-01. Review status: criteria provided, single submitter. Criteria: CeGaT Center For Human Genetics Tuebingen Variant Classification Criteria Version 2. Collection method: clinical testing. Allele origin: germline. Affected: yes. Observed: 1 variant allele.
Comment: ATM: PVS1, PM2

Labcorp Genetics (formerly Invitae), Labcorp
Classification: Pathogenic for Ataxia-telangiectasia syndrome. Last evaluated: 2022-09-01. Review status: criteria provided, single submitter. Criteria: Invitae Variant Classification Sherloc (09022015). Collection method: clinical testing. Allele origin: germline.
Comment: This variant results in the deletion of part of exon 60 (c.8781_8786+2del) of the ATM gene. It is expected to disrupt RNA splicing. Variants that disrupt the donor or acceptor splice site typically lead to a loss of protein function (PMID: 16199547), and loss-of-function variants in ATM are known to be pathogenic (PMID: 23807571, 25614872). This variant is not present in population databases (gnomAD no frequency). This variant has not been reported in the literature in individuals affected with ATM-related conditions. ClinVar contains an entry for this variant (Variation ID: 660103). Algorithms developed to predict the effect of sequence changes on RNA splicing suggest that this variant may disrupt the consensus splice site. For these reasons, this variant has been classified as Pathogenic.

Literature cited by the submitters: PubMed 16199547 (cited by Labcorp Genetics (formerly Invitae), Labcorp); PubMed 23807571 (cited by Labcorp Genetics (formerly Invitae), Labcorp); PubMed 25614872 (cited by Labcorp Genetics (formerly Invitae), Labcorp).

NM_000051.4(ATM):c.8781_8786+2del

Genes: ATM (ATM serine/threonine kinase; plus strand), C11orf65 (chromosome 11 open reading frame 65; minus strand). Cytogenetic location: 11q22.3.
Variant type: Deletion.
Coding change: c.8781_8786+2del on transcript NM_000051.4 (MANE Select); coding-DNA position 8781 through the canonical splice donor site of the intron after coding-DNA position 8786, 8 bases deleted (CAGAAGGT; older notation c.8781_8786+2delCAGAAGGT).
Molecular consequence: splice donor variant. On other transcripts: intron variant (2).
Genome position (GRCh38, 1-based): chr11:108,353,875-108,353,882, CAGAAGGT deleted; deleting any 8 consecutive bases within chr11:108,353,874-108,353,882 gives the same sequence; the c. name uses the placement nearest the transcript's 3' end. VCF-style (leftmost placement, unchanged base first): chr11-108353873-TTCAGAAGG-T. GRCh37 (hg19) VCF-style: chr11-108224600-TTCAGAAGG-T.
Other names: c.8781_8786+2delCAGAAGGT (NM_000051.3); c.8781_8786+2del (NM_001351834.2); c.640+32039_640+32046del (NM_001330368.2); c.695-18589_695-18582del (NM_001351110.2).
Identifiers: ClinVar variation 660103 (VCV000660103.30), dbSNP rs1591307438, ClinGen allele CA915948333.